The following is an entry in ClinVar:

ClinVar aggregate classification (germline): Uncertain significance. Review status: criteria provided, multiple submitters, no conflicts (2 of 4 stars). 2 submissions from 2 submitters: Uncertain significance (2). Last evaluated 2025-06-27.

Conditions:
Combined immunodeficiency due to CTPS1 deficiency. Also called: Immunodeficiency 24; Severe combined immunodeficiency due to CTPS1 deficiency. Identifiers: Orphanet 420573, MedGen C4014617, MONDO:0014391, OMIM 615897.

gnomAD v4.1: 3 of 1,613,548 alleles (0.00019%); highest among the groups gnomAD compares: Admixed American, 0.005%; no homozygotes.

Submissions (2):

Labcorp Genetics (formerly Invitae), Labcorp
Classification: Uncertain significance for Combined immunodeficiency due to CTPS1 deficiency. Last evaluated: 2025-06-27. Review status: criteria provided, single submitter. Criteria: Invitae Variant Classification Sherloc (09022015). Collection method: clinical testing. Allele origin: germline.
Comment: This sequence change replaces proline, which is neutral and non-polar, with serine, which is neutral and polar, at codon 426 of the CTPS1 protein (p.Pro426Ser). This variant is present in population databases (no rsID available, gnomAD 0.003%). This variant has not been reported in the literature in individuals affected with CTPS1-related conditions. An algorithm developed to predict the effect of missense changes on protein structure and function (PolyPhen-2) suggests that this variant is likely to be tolerated. In summary, the available evidence is currently insufficient to determine the role of this variant in disease. Therefore, it has been classified as a Variant of Uncertain Significance.

Ambry Genetics
Classification: Uncertain significance. Last evaluated: 2025-04-20. Review status: criteria provided, single submitter. Criteria: Ambry Variant Classification Scheme 2023. Collection method: clinical testing. Allele origin: germline.

NM_001905.4(CTPS1):c.1276C>T (p.Pro426Ser)

Gene: CTPS1 (CTP synthase 1; plus strand). Cytogenetic location: 1p34.2.
Variant type: single nucleotide variant.
Coding change: c.1276C>T on transcript NM_001905.4 (MANE Select); coding-DNA position 1276, C replaced by T.
Protein change: p.Pro426Ser; replaces proline 426 with serine.
Molecular consequence: missense variant. On other transcripts: non-coding transcript variant (1).
Genome position (GRCh38, 1-based): chr1:41,006,074, C>T. VCF-style: chr1-41006074-C-T. GRCh37 (hg19) VCF-style: chr1-41471746-C-T.
Other names: c.808C>T, p.Pro270Ser (NM_001301237.2); short protein forms P426S, P270S.
Identifiers: ClinVar variation 4008081 (VCV004008081.2).
Genomic context (GRCh38, chr1:41,006,074, plus strand): 5'-TGTAACTATTTTCATAACAAGTATTTTGGTATTTCAGATGCCAATTCTACAGAGTTTGAC[C>T]CTACGACCAGTCATCCCGTGGTGAGTCAAGTGTTTGAACCTCCACAGGGCTTAGAAGGGT-3'
Protein context (NP_001896.2, residues 416-436): WQDANSTEFD[Pro426Ser]TTSHPVVVDM